The following is an entry in ClinVar:

NM_000088.4(COL1A1):c.750+4A>G

Genes: COL1A1 (collagen type I alpha 1 chain; minus strand), LOC126862586 (CDK7 strongly-dependent group 2 enhancer GRCh37_chr17:48273702-48274901; plus strand). Cytogenetic location: 17q21.33.
Variant type: single nucleotide variant.
Coding change: c.750+4A>G on transcript NM_000088.4 (MANE Select); 4 bases into the intron after coding-DNA position 750, A replaced by G.
Molecular consequence: intron variant.
Genome position (GRCh38, 1-based): chr17:50,197,176, T>C on the plus strand (A>G on the coding strand, the complement: COL1A1 is on the minus strand). VCF-style: chr17-50197176-T-C. GRCh37 (hg19) VCF-style: chr17-48274537-T-C.
Identifiers: ClinVar variation 2707664 (VCV002707664.3), dbSNP rs2509241815, ClinGen allele CA2697560376.

ClinVar aggregate classification (germline): Uncertain significance (1 of 4 stars; one submission).

Conditions:
Osteogenesis imperfecta type I (OI1). Also called: Classic Non-deforming Osteogenesis Imperfecta with Blue Sclerae; OI, TYPE I; OSTEOGENESIS IMPERFECTA TARDA; OSTEOGENESIS IMPERFECTA WITH BLUE SCLERAE; Osteogenesis imperfecta type 1; Lobstein's Disease. Identifiers: Orphanet 216796, Orphanet 666, MedGen C0023931, MONDO:0008146, OMIM 166200. Disease mechanism: loss of function.

Submission:

Labcorp Genetics (formerly Invitae), Labcorp
Classification: Uncertain significance for Osteogenesis imperfecta type I. Last evaluated: 2024-01-04. Review status: criteria provided, single submitter. Criteria: Invitae Variant Classification Sherloc (09022015). Collection method: clinical testing. Allele origin: germline.
Comment: This sequence change falls in intron 10 of the COL1A1 gene. It does not directly change the encoded amino acid sequence of the COL1A1 protein. It affects a nucleotide within the consensus splice site. This variant is not present in population databases (gnomAD no frequency). This variant has not been reported in the literature in individuals affected with COL1A1-related conditions. Variants that disrupt the consensus splice site are a relatively common cause of aberrant splicing (PMID: 17576681, 9536098). Algorithms developed to predict the effect of sequence changes on RNA splicing suggest that this variant may disrupt the consensus splice site. In summary, the available evidence is currently insufficient to determine the role of this variant in disease. Therefore, it has been classified as a Variant of Uncertain Significance.

Literature cited by the submitters: PubMed 17576681; PubMed 9536098.